The following is an entry in ClinVar:

NM_016938.5(EFEMP2):c.1211C>G (p.Pro404Arg)

Genes: EFEMP2 (EGF containing fibulin extracellular matrix protein 2; minus strand), MUS81 (MUS81 structure-specific endonuclease subunit; plus strand). Cytogenetic location: 11q13.1.
Variant type: single nucleotide variant.
Coding change: c.1211C>G on transcript NM_016938.5 (MANE Select); coding-DNA position 1211, C replaced by G.
Protein change: p.Pro404Arg; replaces proline 404 with arginine.
Molecular consequence: missense variant. On other transcripts: non-coding transcript variant (1).
Genome position (GRCh38, 1-based): chr11:65,867,039, G>C on the plus strand (C>G on the coding strand, the complement: EFEMP2 is on the minus strand). VCF-style: chr11-65867039-G-C. GRCh37 (hg19) VCF-style: chr11-65634510-G-C.
Other names: short protein forms P404R.
Identifiers: ClinVar variation 2563681 (VCV002563681.2), dbSNP rs753393039, ClinGen allele CA6110368.

ClinVar aggregate classification (germline): Uncertain significance (1 of 4 stars; one submission).

Conditions:
Cardiovascular phenotype. Identifiers: MedGen CN230736.

Allele frequency attached by ClinVar (database versions not stated): ExAC 0.00001.

Submission:

Ambry Genetics
Classification: Uncertain significance for Cardiovascular phenotype. Last evaluated: 2023-03-23. Review status: criteria provided, single submitter. Criteria: Ambry Variant Classification Scheme 2023. Collection method: clinical testing. Allele origin: germline.
Comment: The p.P404R variant (also known as c.1211C>G), located in coding exon 10 of the EFEMP2 gene, results from a C to G substitution at nucleotide position 1211. The proline at codon 404 is replaced by arginine, an amino acid with dissimilar properties. This amino acid position is conserved. In addition, the in silico prediction for this alteration is inconclusive. Since supporting evidence is limited at this time, the clinical significance of this alteration remains unclear.